The following is an entry in ClinVar:

NM_021098.3(CACNA1H):c.1016A>G (p.Asn339Ser)

Gene: CACNA1H (calcium voltage-gated channel subunit alpha1 H; plus strand). Cytogenetic location: 16p13.3.
Variant type: single nucleotide variant.
Coding change: c.1016A>G on transcript NM_021098.3 (MANE Select); coding-DNA position 1016, A replaced by G.
Protein change: p.Asn339Ser; replaces asparagine 339 with serine.
Molecular consequence: missense variant.
Genome position (GRCh38, 1-based): chr16:1,200,468, A>G. VCF-style: chr16-1200468-A-G. GRCh37 (hg19) VCF-style: chr16-1250468-A-G.
Other names: c.1016A>G, p.Asn339Ser (NM_001005407.2); short protein forms N339S.
Identifiers: ClinVar variation 2663543 (VCV002663543.2), dbSNP rs1967716178, ClinGen allele CA394157649.
Genomic context (GRCh38, chr16:1,200,468, plus strand): 5'-GGGAGGCCTACACGCAGCCGCAGGCCGAGGGGGTGGGCGCTGCACGCAACGCCTGCATCA[A>G]CTGGAACCAGTACTACAACGTGTGCCGCTCGGGTGACTCCAACCCCCACAACGGTGCCAT-3'
Protein context (NP_066921.2, residues 329-349): GVGAARNACI[Asn339Ser]WNQYYNVCRS

ClinVar aggregate classification (germline): Uncertain significance. Review status: criteria provided, multiple submitters, no conflicts (2 of 4 stars). 2 submissions from 2 submitters: Uncertain significance (2). Last evaluated 2024-09-30.

Conditions:
Inborn genetic diseases. Identifiers: MedGen C0950123, MeSH D030342.

Allele frequency attached by ClinVar (database versions not stated): TOPMed below 0.00001.
gnomAD v4.1: 3 of 1,612,088 alleles (0.00019%); highest among the groups gnomAD compares: Non-Finnish European, 0.00017%; no homozygotes.

Submissions (2):

Ambry Genetics
Classification: Uncertain significance for Inborn genetic diseases. Last evaluated: 2024-09-30. Review status: criteria provided, single submitter. Criteria: Ambry Variant Classification Scheme 2023. Collection method: clinical testing. Allele origin: germline.

GeneDx
Classification: Uncertain significance. Last evaluated: 2023-04-17. Review status: criteria provided, single submitter. Criteria: GeneDx Variant Classification Process June 2021. Collection method: clinical testing. Allele origin: germline. Affected: yes.
Comment: Not observed at significant frequency in large population cohorts (gnomAD); In silico analysis supports that this missense variant has a deleterious effect on protein structure/function; Has not been previously published as pathogenic or benign to our knowledge